The following is an entry in ClinVar:

NM_147127.5(EVC2):c.2829+1G>A

Gene: EVC2 (EvC ciliary complex subunit 2; minus strand). Cytogenetic location: 4p16.2.
Variant type: single nucleotide variant.
Coding change: c.2829+1G>A on transcript NM_147127.5 (MANE Select); the canonical splice donor site of the intron after coding-DNA position 2829, G replaced by A.
Molecular consequence: splice donor variant.
Genome position (GRCh38, 1-based): chr4:5,615,421, C>T on the plus strand (G>A on the coding strand, the complement: EVC2 is on the minus strand). VCF-style: chr4-5615421-C-T. GRCh37 (hg19) VCF-style: chr4-5617148-C-T.
Other names: c.2589+1G>A (NM_001166136.2).
Identifiers: ClinVar variation 1498862 (VCV001498862.9), dbSNP rs752255602, ClinGen allele CA2834572.

ClinVar aggregate classification (germline): Likely pathogenic (1 of 4 stars; one submission).

Conditions:
Ellis-van Creveld syndrome (EVC). Also called: Chondroectodermal dysplasia; EVC-Related Ellis-van Creveld Syndrome; EVC2-Related Ellis-van Creveld Syndrome; MESOECTODERMAL DYSPLASIA. Identifiers: Orphanet 289, MedGen C0013903, MONDO:0009162, OMIM 225500.
Curry-Hall syndrome (WAD). Also called: WEYERS ACRODENTAL DYSOSTOSIS. Identifiers: Orphanet 952, MedGen C0457013, MONDO:0008673, OMIM 193530.

Allele frequency attached by ClinVar (database versions not stated): gnomAD exomes below 0.00001 and 0.00001; ExAC 0.00001; TOPMed 0.00001; gnomAD 0.00002.
gnomAD v4.1: 15 of 1,614,082 alleles (0.00093%); highest among the groups gnomAD compares: African/African-American, 0.0027%; no homozygotes.

Submission:

Labcorp Genetics (formerly Invitae), Labcorp
Classification: Likely pathogenic for Curry-Hall syndrome; Ellis-van Creveld syndrome. Last evaluated: 2023-11-21. Review status: criteria provided, single submitter. Criteria: Invitae Variant Classification Sherloc (09022015). Collection method: clinical testing. Allele origin: germline.
Comment: This sequence change affects a donor splice site in intron 16 of the EVC2 gene. It is expected to disrupt RNA splicing. Variants that disrupt the donor or acceptor splice site typically lead to a loss of protein function (PMID: 16199547), and loss-of-function variants in EVC2 are known to be pathogenic (PMID: 17024374, 19810119, 19876929). This variant is present in population databases (rs752255602, gnomAD 0.0009%). This variant has not been reported in the literature in individuals affected with EVC2-related conditions. ClinVar contains an entry for this variant (Variation ID: 1498862). Algorithms developed to predict the effect of sequence changes on RNA splicing suggest that this variant may disrupt the consensus splice site. In summary, the currently available evidence indicates that the variant is pathogenic, but additional data are needed to prove that conclusively. Therefore, this variant has been classified as Likely Pathogenic.

Literature cited by the submitters: PubMed 16199547; PubMed 17024374; PubMed 19810119; PubMed 19876929.